The following is an entry in ClinVar:

NM_024503.5(HIVEP3):c.7126C>T (p.Pro2376Ser)

Gene: HIVEP3 (HIVEP zinc finger 3; minus strand). Cytogenetic location: 1p34.2.
Variant type: single nucleotide variant.
Coding change: c.7126C>T on transcript NM_024503.5 (MANE Select); coding-DNA position 7126, C replaced by T.
Protein change: p.Pro2376Ser; replaces proline 2376 with serine.
Molecular consequence: missense variant.
Genome position (GRCh38, 1-based): chr1:41,510,546, G>A on the plus strand (C>T on the coding strand, the complement: HIVEP3 is on the minus strand). VCF-style: chr1-41510546-G-A. GRCh37 (hg19) VCF-style: chr1-41976217-G-A.
Other names: c.7123C>T, p.Pro2375Ser (NM_001127714.3); short protein forms P2376S, P2375S.
Identifiers: ClinVar variation 402940 (VCV000402940.7), dbSNP rs72669005, ClinGen allele CA796984.

ClinVar aggregate classification (germline): Benign. Review status: criteria provided, multiple submitters, no conflicts (2 of 4 stars). 3 submissions from 3 submitters: Benign (2). 1 of the submissions does not count toward it. Last evaluated 2016-03-29.

Conditions:
HIVEP3-related disorder. Also called: HIVEP3-related condition.

Allele frequency attached by ClinVar (database versions not stated): gnomAD 0.08118; TOPMed 0.08851; ESP Exome Variant Server 0.09371; 1000 Genomes Project 0.09904; 1000 Genomes Project 30x 0.10369; ExAC 0.11539.
gnomAD v4.1: 88,109 of 1,576,608 alleles (5.6%); highest among the groups gnomAD compares: African/African-American, 19%; 3,656 homozygotes.

Submissions (3):

Laboratory for Molecular Medicine, Mass General Brigham Personalized Medicine
Classification: Benign. Last evaluated: 2016-03-29. Review status: criteria provided, single submitter. Criteria: LMM Criteria. Collection method: clinical testing. Allele origin: germline.
Comment: Variant identified in a genome or exome case(s) and assessed due to predicted null impact of the variant or pathogenic assertions in the literature or databases. Disclaimer: This variant has not undergone full assessment. The following are preliminary notes: MAF

Breakthrough Genomics
Classification: Benign. Review status: criteria provided, single submitter. Criteria: ACMG Guidelines, 2015. Collection method: not provided. Allele origin: germline. Inheritance: Unknown mechanism. Affected: yes.

PreventionGenetics, part of Exact Sciences
Classification: Benign for HIVEP3-related condition. Last evaluated: 2024-04-05. Review status: no assertion criteria provided. Collection method: clinical testing. Allele origin: germline. Not counted in ClinVar's aggregate classification.
Comment: This variant is classified as benign based on ACMG/AMP sequence variant interpretation guidelines (Richards et al. 2015 PMID: 25741868, with internal and published modifications).